The following is an entry in ClinVar:

NM_000271.5(NPC1):c.1947+8_1947+12dup

Gene: NPC1 (NPC intracellular cholesterol transporter 1; minus strand). Cytogenetic location: 18q11.2.
Variant type: Duplication.
Coding change: c.1947+8_1947+12dup on transcript NM_000271.5 (MANE Select); bases 8 to 12 of the intron after coding-DNA position 1947, 5 bases duplicated (GGGGG; older notation c.1947+8_1947+12dupGGGGG).
Molecular consequence: intron variant.
Genome position (GRCh38, 1-based): chr18:23,544,944-23,544,948, CCCCC duplicated on the plus strand (GGGGG on the coding strand, the reverse complement: NPC1 is on the minus strand); duplicating any 5 consecutive bases within chr18:23,544,944-23,544,952 gives the same sequence; the c. name uses the placement nearest the transcript's 3' end. VCF-style (leftmost placement, unchanged base first): chr18-23544943-A-ACCCCC. GRCh37 (hg19) VCF-style: chr18-21124907-A-ACCCCC.
Other names: p.?; c.1947+12_1947+16dup (NM_000271.5).
Identifiers: ClinVar variation 1157450 (VCV001157450.15), dbSNP rs3837910, ClinGen allele CA297060278.

ClinVar aggregate classification (germline): Likely benign. Review status: criteria provided, multiple submitters, no conflicts (2 of 4 stars). 6 submissions from 6 submitters: Likely benign (3). 3 of the submissions do not count toward it. Last evaluated 2026-02-04.

Conditions:
NPC1-related disorder. Also called: NPC1-related condition.
Niemann-Pick disease, type C1. Also called: NIEMANN-PICK DISEASE, VARIANT TYPE C1; NEUROVISCERAL STORAGE DISEASE WITH VERTICAL SUPRANUCLEAR OPHTHALMOPLEGIA; NIEMANN-PICK DISEASE WITH CHOLESTEROL ESTERIFICATION BLOCK; NIEMANN-PICK DISEASE WITHOUT SPHINGOMYELINASE DEFICIENCY; NIEMANN-PICK DISEASE, CHRONIC NEURONOPATHIC FORM. Identifiers: Orphanet 646, MedGen C3179455, MONDO:0009757, OMIM 257220.

Submissions (6):

Labcorp Genetics (formerly Invitae), Labcorp
Classification: Likely benign for Niemann-Pick disease, type C1. Last evaluated: 2026-02-04. Review status: criteria provided, single submitter. Criteria: Invitae Variant Classification Sherloc (09022015). Collection method: clinical testing. Allele origin: germline.

Mayo Clinic Laboratories, Mayo Clinic
Classification: Likely benign. Last evaluated: 2025-08-05. Review status: criteria provided, single submitter. Criteria: ACMG Guidelines, 2015. Collection method: clinical testing. Allele origin: germline. Observed: 40 variant alleles.
Comment: BP4, BP7

Blueprint Genetics
Classification: Likely benign. Last evaluated: 2024-11-28. Review status: criteria provided, single submitter. Criteria: ACMG Guidelines, 2015. Collection method: clinical testing. Allele origin: germline.

PreventionGenetics, part of Exact Sciences
Classification: Likely benign for NPC1-related condition. Last evaluated: 2021-03-24. Review status: no assertion criteria provided. Collection method: clinical testing. Allele origin: germline. Not counted in ClinVar's aggregate classification.
Comment: This variant is classified as likely benign based on ACMG/AMP sequence variant interpretation guidelines (Richards et al. 2015 PMID: 25741868, with internal and published modifications).

Genome Diagnostics Laboratory, Amsterdam University Medical Center
Classification: Likely benign. Review status: no assertion criteria provided. Collection method: clinical testing. Allele origin: germline. Affected: yes. Study: VKGL Data-share Consensus. Not counted in ClinVar's aggregate classification.

Genome Diagnostics Laboratory, University Medical Center Utrecht
Classification: Likely benign. Review status: no assertion criteria provided. Collection method: clinical testing. Allele origin: germline. Affected: yes. Study: VKGL Data-share Consensus. Not counted in ClinVar's aggregate classification.